The following is an entry in ClinVar:

NM_001170629.2(CHD8):c.7322dup (p.Ser2442fs)

Gene: CHD8 (chromodomain helicase DNA binding protein 8; minus strand). Cytogenetic location: 14q11.2.
Variant type: Duplication.
Coding change: c.7322dup on transcript NM_001170629.2 (MANE Select); coding-DNA position 7322, one base duplicated (T; older notation c.7322dupT).
Protein change: p.Ser2442fs; shifts the reading frame from serine 2442.
Molecular consequence: frameshift variant.
Genome position (GRCh38, 1-based): chr14:21,386,037, A duplicated on the plus strand (T on the coding strand, the reverse complement: CHD8 is on the minus strand). VCF-style (leftmost placement, unchanged base first): chr14-21386036-T-TA. GRCh37 (hg19) VCF-style: chr14-21854195-T-TA.
Other names: c.6485dup, p.Ser2163fs (NM_020920.4); short protein forms S2442fs, S2163fs.
Identifiers: ClinVar variation 3643162 (VCV003643162.2).
Genomic context (GRCh38, chr14:21,386,036, plus strand): 5'-ACCCAAAGATGACACAGACTGTAGGCCACTACTGCTGTGTTGGAACGTGTTATGCAGAGA[T>TA]AGAGACCCAGTGCTTCCACCCTGCATGAGGGCCATCATCTTAGAAAGGTCTGGTCGCATC-3'

ClinVar aggregate classification (germline): Uncertain significance (1 of 4 stars; one submission).

Submission:

Labcorp Genetics (formerly Invitae), Labcorp
Classification: Uncertain significance. Last evaluated: 2024-02-24. Review status: criteria provided, single submitter. Criteria: Invitae Variant Classification Sherloc (09022015). Collection method: clinical testing. Allele origin: germline.
Comment: This sequence change creates a premature translational stop signal (p.Ser2442Ilefs*4) in the CHD8 gene. While this is not anticipated to result in nonsense mediated decay, it is expected to disrupt the last 140 amino acid(s) of the CHD8 protein. This variant is not present in population databases (gnomAD no frequency). This variant has not been reported in the literature in individuals affected with CHD8-related conditions. Experimental studies and prediction algorithms are not available or were not evaluated, and the functional significance of this variant is currently unknown. In summary, the available evidence is currently insufficient to determine the role of this variant in disease. Therefore, it has been classified as a Variant of Uncertain Significance.